The following is an entry in ClinVar:

NM_000380.4(XPA):c.62del (p.Pro21fs)

Gene: XPA (XPA, DNA damage recognition and repair factor; minus strand). Cytogenetic location: 9q22.33.
Variant type: Deletion.
Coding change: c.62del on transcript NM_000380.4 (MANE Select); coding-DNA position 62, one base deleted (C; older notation c.62delC).
Protein change: p.Pro21fs; shifts the reading frame from proline 21.
Molecular consequence: frameshift variant. On other transcripts: 5 prime UTR variant (1), non-coding transcript variant (5).
Genome position (GRCh38, 1-based): chr9:97,697,231, G deleted on the plus strand (C on the coding strand, the reverse complement: XPA is on the minus strand); the first of 2 consecutive G bases (chr9:97,697,231-97,697,232); deleting either gives the same sequence. VCF-style (leftmost placement, unchanged base first): chr9-97697230-AG-A. GRCh37 (hg19) VCF-style: chr9-100459512-AG-A.
Other names: c.-1088del (NM_001354975.2); c.62delC (NM_000380.4); short protein forms P21fs.
Identifiers: ClinVar variation 4687636 (VCV004687636.1).

ClinVar aggregate classification (germline): Pathogenic (1 of 4 stars; one submission).

Conditions:
Xeroderma pigmentosum (XP). Identifiers: Orphanet 910, MedGen C0043346, MONDO:0019600.

Submission:

Women's Health and Genetics/Laboratory Corporation of America, LabCorp
Classification: Pathogenic for Xeroderma pigmentosum. Last evaluated: 2025-10-01. Review status: criteria provided, single submitter. Criteria: LabCorp Variant Classification Summary - May 2015. Collection method: clinical testing. Allele origin: germline.
Comment: Variant summary: XPA c.62delC (p.Pro21LeufsX16) results in a premature termination codon, predicted to cause a truncation of the encoded protein or absence of the protein due to nonsense mediated decay, which are commonly known mechanisms for disease. The variant was absent in 222148 control chromosomes. To our knowledge, no occurrence of c.62delC in individuals affected with XPA-related conditions and no experimental evidence demonstrating its impact on protein function have been reported. No submitters have cited clinical-significance assessments for this variant to ClinVar. Based on the evidence outlined above, the variant was classified as pathogenic.